The following is an entry in ClinVar:

NM_001034850.3(RETREG1):c.78GCC[3] (p.Pro30_Gln31insPro)

Genes: RETREG1 (reticulophagy regulator 1; minus strand), RETREG1-AS1 (RETREG1 antisense RNA 1; plus strand), LOC129993734 (ATAC-STARR-seq lymphoblastoid silent region 15947; plus strand). Cytogenetic location: 5p15.1.
Variant type: Microsatellite.
Coding change: c.78GCC[3] on transcript NM_001034850.3 (MANE Select); three copies in a row of the 3-base unit GCC starting at c.78; the reference has two copies in a row; one copy, 3 bases duplicated.
Protein change: p.Pro30_Gln31insPro.
Molecular consequence: inframe insertion.
Genome position (GRCh38, 1-based): chr5:16,616,889-16,616,891, GGC duplicated on the plus strand (GCC on the coding strand, the reverse complement: RETREG1 is on the minus strand); duplicating any 3 consecutive bases within chr5:16,616,889-16,616,895 gives the same sequence; the position shown is the placement nearest the transcript's 3' end. VCF-style (leftmost placement, unchanged base first): chr5-16616888-T-TGGC. GRCh37 (hg19) VCF-style: chr5-16616997-T-TGGC.
Identifiers: ClinVar variation 2041910 (VCV002041910.4), dbSNP rs2477809484, ClinGen allele CA2580613536.

ClinVar aggregate classification (germline): Uncertain significance (1 of 4 stars; one submission).

Submission:

Labcorp Genetics (formerly Invitae), Labcorp
Classification: Uncertain significance. Last evaluated: 2021-12-13. Review status: criteria provided, single submitter. Criteria: Invitae Variant Classification Sherloc (09022015). Collection method: clinical testing. Allele origin: germline.
Comment: This variant, c.81_83dup, results in the insertion of 1 amino acid(s) of the RETREG1 protein (p.Pro30dup), but otherwise preserves the integrity of the reading frame. This variant is not present in population databases (gnomAD no frequency). This variant has not been reported in the literature in individuals affected with RETREG1-related conditions. In summary, the available evidence is currently insufficient to determine the role of this variant in disease. Therefore, it has been classified as a Variant of Uncertain Significance.